The following is an entry in ClinVar:

NM_018699.4(PRDM5):c.307G>T (p.Glu103Ter)

Gene: PRDM5 (PR/SET domain 5; minus strand). Cytogenetic location: 4q27.
Variant type: single nucleotide variant.
Coding change: c.307G>T on transcript NM_018699.4 (MANE Select); coding-DNA position 307, G replaced by T.
Protein change: p.Glu103Ter; replaces glutamic acid 103 with a stop codon.
Molecular consequence: nonsense.
Genome position (GRCh38, 1-based): chr4:120,821,339, C>A on the plus strand (G>T on the coding strand, the complement: PRDM5 is on the minus strand). VCF-style: chr4-120821339-C-A. GRCh37 (hg19) VCF-style: chr4-121742494-C-A.
Other names: c.307G>T, p.Glu103Ter (NM_001300823.2, NM_001300824.2, NM_001379104.1 and 1 more transcripts); short protein forms E103*.
Identifiers: ClinVar variation 2972163 (VCV002972163.4), dbSNP rs2478065345, ClinGen allele CA358209204.

ClinVar aggregate classification (germline): Pathogenic/Likely pathogenic. Review status: criteria provided, multiple submitters, no conflicts (2 of 4 stars). 2 submissions from 2 submitters: Pathogenic (1); Likely pathogenic (1). Last evaluated 2025-05-03.

Conditions:
Brittle cornea syndrome 2 (BCS2). Identifiers: Orphanet 90354, MedGen C3280011, MONDO:0013605, OMIM 614170.

Allele frequency attached by ClinVar (database versions not stated): gnomAD exomes 0.00001.
gnomAD v4.1: 12 of 1,613,756 alleles (0.00074%); highest among the groups gnomAD compares: Non-Finnish European, 0.001%; no homozygotes.

Submissions (2):

Labcorp Genetics (formerly Invitae), Labcorp
Classification: Pathogenic. Last evaluated: 2025-05-03. Review status: criteria provided, single submitter. Criteria: Invitae Variant Classification Sherloc (09022015). Collection method: clinical testing. Allele origin: germline.
Comment: This sequence change creates a premature translational stop signal (p.Glu103*) in the PRDM5 gene. It is expected to result in an absent or disrupted protein product. Loss-of-function variants in PRDM5 are known to be pathogenic (PMID: 21664999, 26395458). This variant is not present in population databases (gnomAD no frequency). This variant has not been reported in the literature in individuals affected with PRDM5-related conditions. ClinVar contains an entry for this variant (Variation ID: 2972163). Algorithms developed to predict the effect of sequence changes on RNA splicing suggest that this variant may disrupt the consensus splice site. For these reasons, this variant has been classified as Pathogenic.

Fulgent Genetics
Classification: Likely pathogenic for Brittle cornea syndrome 2. Last evaluated: 2024-06-20. Review status: criteria provided, single submitter. Criteria: ACMG Guidelines, 2015. Collection method: clinical testing. Allele origin: germline.

Literature cited by the submitters: PubMed 21664999 (cited by Labcorp Genetics (formerly Invitae), Labcorp); PubMed 26395458 (cited by Labcorp Genetics (formerly Invitae), Labcorp).